The following is an entry in ClinVar:

ClinVar aggregate classification (germline): Uncertain significance (1 of 4 stars; one submission).

Conditions:
CEP290-related ciliopathy. Also called: CEP290 ciliopathy. Identifiers: MedGen CN305601, MONDO:0100451.

Submission:

Myriad Genetics, Inc.
Classification: Uncertain significance for CEP290-related ciliopathy. Last evaluated: 2026-06-27. Review status: criteria provided, single submitter. Criteria: Myriad Autosomal Dominant, Autosomal Recessive and X-Linked Classification Criteria (2023). Collection method: clinical testing. Allele origin: unknown.
Comment: NM_025114.3(CEP290):c.472G>A(E158K) is a missense variant classified as a variant of uncertain significance in the context of CEP290-related disorders. E158K has been observed in a case with relevant disease (PMID: 31054281). Relevant functional assessments of this variant are not available in the literature. E158K has not been observed in referenced population frequency databases. In summary, there is insufficient evidence to classify NM_025114.3(CEP290):c.472G>A(E158K) as pathogenic or benign. Please note: this variant was assessed in the context of healthy population screening.

Literature cited by the submitters: PubMed 31054281.

NM_025114.4(CEP290):c.472G>A (p.Glu158Lys)

Gene: CEP290 (centrosomal protein 290; minus strand). Cytogenetic location: 12q21.32.
Variant type: single nucleotide variant.
Coding change: c.472G>A on transcript NM_025114.4 (MANE Select); coding-DNA position 472, G replaced by A.
Protein change: p.Glu158Lys; replaces glutamic acid 158 with lysine.
Molecular consequence: missense variant.
Genome position (GRCh38, 1-based): chr12:88,131,188, C>T on the plus strand (G>A on the coding strand, the complement: CEP290 is on the minus strand). VCF-style: chr12-88131188-C-T. GRCh37 (hg19) VCF-style: chr12-88524965-C-T.
Other names: short protein forms E158K.
Identifiers: ClinVar variation 5004757 (VCV005004757.1).